The following is an entry in ClinVar:

ClinVar aggregate classification (germline): Benign (1 of 4 stars; one submission).

Conditions:
Pheochromocytoma/paraganglioma syndrome 5. Also called: Paragangliomas 5; SDHA-Related Hereditary Paraganglioma-Pheochromocytoma Syndrome. Identifiers: Orphanet 29072, MedGen C3279992, MONDO:0013602, OMIM 614165.

gnomAD v4.1: 4 of 1,603,180 alleles (0.00025%); highest among the groups gnomAD compares: Non-Finnish European, 0.00034%; no homozygotes.

Submission:

Myriad Genetics, Inc.
Classification: Benign for Pheochromocytoma/paraganglioma syndrome 5. Last evaluated: 2025-03-11. Review status: criteria provided, single submitter. Criteria: Myriad Autosomal Dominant, Autosomal Recessive and X-Linked Classification Criteria (2023). Collection method: clinical testing. Allele origin: unknown.
Comment: This variant is considered benign. This variant is a silent/synonymous amino acid change and it is not expected to impact splicing.

NM_004168.4(SDHA):c.1833G>A (p.Gln611=)

Gene: SDHA (succinate dehydrogenase complex flavoprotein subunit A; plus strand). Cytogenetic location: 5p15.33.
Variant type: single nucleotide variant.
Coding change: c.1833G>A on transcript NM_004168.4 (MANE Select); coding-DNA position 1833, G replaced by A.
Protein change: p.Gln611=; no amino-acid change (glutamine 611 retained).
Molecular consequence: synonymous variant.
Genome position (GRCh38, 1-based): chr5:254,431, G>A. VCF-style: chr5-254431-G-A. GRCh37 (hg19) VCF-style: chr5-254546-G-A.
Other names: c.1689G>A, p.Gln563= (NM_001294332.2); c.1590G>A, p.Gln530= (NM_001330758.2).
Identifiers: ClinVar variation 3904366 (VCV003904366.1).